The following is an entry in ClinVar:

ClinVar aggregate classification (germline): Conflicting classifications of pathogenicity. Review status: criteria provided, conflicting classifications (1 of 4 stars). 9 submissions from 6 submitters: Uncertain significance (4); Benign (2); Likely benign (3). Last evaluated 2026-01-28.

Conditions:
Diabetes mellitus, transient neonatal, 2 (TNDM2). Identifiers: Orphanet 99886, MedGen C1835887, MONDO:0012480, OMIM 610374. Disease mechanism: loss of function.
Hyperinsulinemic hypoglycemia, familial, 1 (HHF1). Also called: HYPERINSULINISM, FAMILIAL, WITH PANCREATIC NESIDIOBLASTOSIS; HYPOGLYCEMIA, HYPERINSULINEMIC, OF INFANCY; Persistent hyperinsulinemic hypoglycemia of infancy; NESIDIOBLASTOSIS OF PANCREAS; Persistent Hyperinsulinemia Hypoglycemia of Infancy. Identifiers: Orphanet 276575, Orphanet 276598, MedGen C2931832, MONDO:0009734, OMIM 256450.
Maturity-onset diabetes of the young (MODY). Also called: Maturity onset diabetes mellitus in young. Identifiers: Orphanet 552, MedGen C0342276, MONDO:0018911, HP:0004904.
Transitory neonatal diabetes mellitus. Also called: Transient neonatal diabetes mellitus. Identifiers: MedGen C0342273, MONDO:0020525, HP:0008255.
Permanent neonatal diabetes mellitus (PNDM). Identifiers: Orphanet 99885, MedGen C1833104, MONDO:0100164, MONDO:0011643. Disease mechanism: gain of function.

Allele frequency attached by ClinVar (database versions not stated): gnomAD exomes 0.00009 and 0.00025; TOPMed 0.00009; gnomAD 0.00011 and 0.00025; ExAC 0.00020; 1000 Genomes Project 0.00140; 1000 Genomes Project 30x 0.00187.
gnomAD v4.1: 237 of 1,613,404 alleles (0.015%); highest among the groups gnomAD compares: East Asian, 0.11%; 4 homozygotes.

Submissions (9):

Labcorp Genetics (formerly Invitae), Labcorp
Classification: Likely benign. Last evaluated: 2026-01-28. Review status: criteria provided, single submitter. Criteria: Invitae Variant Classification Sherloc (09022015). Collection method: clinical testing. Allele origin: germline.

Blueprint Genetics
Classification: Likely benign. Last evaluated: 2024-10-28. Review status: criteria provided, single submitter. Criteria: ACMG Guidelines, 2015. Collection method: clinical testing. Allele origin: germline.

ARUP Laboratories, Molecular Genetics and Genomics, ARUP Laboratories
Classification: Likely benign. Last evaluated: 2024-06-21. Review status: criteria provided, single submitter. Criteria: ARUP Molecular Germline Variant Investigation Process 2024. Collection method: clinical testing. Allele origin: germline.

Women's Health and Genetics/Laboratory Corporation of America, LabCorp
Classification: Benign. Last evaluated: 2024-04-19. Review status: criteria provided, single submitter. Criteria: LabCorp Variant Classification Summary - May 2015. Collection method: clinical testing. Allele origin: germline.
Comment: Variant summary: ABCC8 c.4119+15C>T alters a non-conserved nucleotide located at a position not widely known to affect splicing. Consensus agreement among computation tools predict no significant impact on normal splicing. However, these predictions have yet to be confirmed by functional studies. The variant allele was found at a frequency of 0.00015 in 1606434 control chromosomes in the gnomAD database, including 4 homozygotes. To our knowledge, no occurrence of c.4119+15C>T in individuals affected with Familial Hyperinsulinism and no experimental evidence demonstrating its impact on protein function have been reported. ClinVar contains an entry for this variant (Variation ID: 303753). Based on the evidence outlined above, the variant was classified as benign.

Illumina Laboratory Services, Illumina
Classification: Uncertain significance for Permanent neonatal diabetes mellitus 1. Last evaluated: 2018-01-13. Review status: criteria provided, single submitter. Criteria: ICSL Variant Classification Criteria 13 December 2019. Collection method: clinical testing. Allele origin: germline.

Illumina Laboratory Services, Illumina
Classification: Uncertain significance for Hyperinsulinemic hypoglycemia, familial, 1. Last evaluated: 2018-01-13. Review status: criteria provided, single submitter. Criteria: ICSL Variant Classification Criteria 13 December 2019. Collection method: clinical testing. Allele origin: germline.

Illumina Laboratory Services, Illumina
Classification: Benign for Diabetes mellitus, transient neonatal, 2. Last evaluated: 2018-01-13. Review status: criteria provided, single submitter. Criteria: ICSL Variant Classification Criteria 13 December 2019. Collection method: clinical testing. Allele origin: germline.
Comment: This variant was observed in the ICSL laboratory as part of a predisposition screen in an ostensibly healthy population. It had not been previously curated by ICSL or reported in the Human Gene Mutation Database (HGMD: prior to June 1st, 2018), and was therefore a candidate for classification through an automated scoring system. Utilizing variant allele frequency, disease prevalence and penetrance estimates, and inheritance mode, an automated score was calculated to assess if this variant is too frequent to cause the disease. Based on the score and internal cut-off values, a variant classified as benign is not then subjected to further curation. The score for this variant resulted in a classification of benign for this disease.

Clinical Genomics, Uppaluri K&H Personalized Medicine Clinic
Classification: Uncertain significance for Maturity-onset diabetes of the young. Review status: criteria provided, single submitter. Criteria: K & H Uppaluri Personalized Medicine Clinic Variant Classification & Assertion Criteria_Updated V.1. Collection method: research. Allele origin: somatic. Inheritance: Somatic mutation.
Comment: Mutations in ABCC8 gene are associated with both neonatal diabetes mellitus as well as MODY. Patients with this mutation may have a better response to sulfonylureas. However, no sufficient evidence is found to ascertain the role of this particular variant ( rs58368439) in MODY yet.

Clinical Genomics, Uppaluri K&H Personalized Medicine Clinic
Classification: Uncertain significance for Transitory neonatal diabetes mellitus. Review status: criteria provided, single submitter. Criteria: K & H Uppaluri Personalized Medicine Clinic Variant Classification & Assertion Criteria_Updated V.1. Collection method: research. Allele origin: somatic. Inheritance: Somatic mutation.
Comment: Mutations in ABCC8 gene are associated with both neonatal diabetes mellitus as well as MODY. Patients with this mutation may have a better response to sulfonylureas. However, no sufficient evidence is found to ascertain the role of this particular variant ( rs58368439 ) in neonatal diabetes yet.

Literature cited by the submitters: PubMed 16885549 (cited by Clinical Genomics, Uppaluri K&H Personalized Medicine Clinic); PubMed 21989597 (cited by Clinical Genomics, Uppaluri K&H Personalized Medicine Clinic); PubMed 27538677 (cited by Clinical Genomics, Uppaluri K&H Personalized Medicine Clinic); PubMed 18981553 (cited by Clinical Genomics, Uppaluri K&H Personalized Medicine Clinic); PubMed 32027066 (cited by Clinical Genomics, Uppaluri K&H Personalized Medicine Clinic); PubMed 16613899 (cited by Clinical Genomics, Uppaluri K&H Personalized Medicine Clinic); PubMed 18025408 (cited by Clinical Genomics, Uppaluri K&H Personalized Medicine Clinic); PubMed 32792356 (cited by Clinical Genomics, Uppaluri K&H Personalized Medicine Clinic).

NM_000352.6(ABCC8):c.4119+15C>T

Gene: ABCC8 (ATP binding cassette subfamily C member 8; minus strand). Cytogenetic location: 11p15.1.
Variant type: single nucleotide variant.
Coding change: c.4119+15C>T on transcript NM_000352.6 (MANE Select); 15 bases into the intron after coding-DNA position 4119, C replaced by T.
Molecular consequence: intron variant.
Genome position (GRCh38, 1-based): chr11:17,396,901, G>A on the plus strand (C>T on the coding strand, the complement: ABCC8 is on the minus strand). VCF-style: chr11-17396901-G-A. GRCh37 (hg19) VCF-style: chr11-17418448-G-A.
Other names: c.4116+15C>T (NM_001351297.2); c.4119+15C>T (NM_001351296.2); c.4185+15C>T (NM_001351295.2); c.4122+15C>T (NM_001287174.3).
Identifiers: ClinVar variation 303753 (VCV000303753.16), dbSNP rs58368439, ClinGen allele CA5902577.